The following is an entry in ClinVar:

Conditions:
Breast-ovarian cancer, familial, susceptibility to, 1 (BROVCA1). Also called: BRCA1 Hereditary Breast and Ovarian Cancer; OVARIAN CANCER, SUSCEPTIBILITY TO. Identifiers: Orphanet 145, MedGen C2676676, MONDO:0011450, OMIM 604370. Disease mechanism: loss of function.

Submission:

Brotman Baty Institute, University of Washington
No classification provided (evidence only). Condition: Breast-ovarian cancer, familial 1. Review status: no classification provided. Collection method: in vitro. Allele origin: not applicable. Functional consequence: functionally_normal.
ClinVar note: "not provided" was previously submitted as the classification for the variant. However, the classification appeared to be based only on an observation of functional data so it was converted to no classification on 2025-07-30.

NM_007294.4(BRCA1):c.5003T>A (p.Phe1668Tyr)

Gene: BRCA1 (BRCA1 DNA repair associated; minus strand). Cytogenetic location: 17q21.31.
Variant type: single nucleotide variant.
Coding change: c.5003T>A on transcript NM_007294.4 (MANE Select); coding-DNA position 5003, T replaced by A.
Protein change: p.Phe1668Tyr; replaces phenylalanine 1668 with tyrosine.
Molecular consequence: missense variant. On other transcripts: non-coding transcript variant (1).
Genome position (GRCh38, 1-based): chr17:43,067,679, A>T on the plus strand (T>A on the coding strand, the complement: BRCA1 is on the minus strand). VCF-style: chr17-43067679-A-T. GRCh37 (hg19) VCF-style: chr17-41219696-A-T.
Other names: c.5000T>A, p.Phe1667Tyr (NM_001407624.1, NM_001407625.1, NM_001407626.1 and 17 more transcripts); c.4997T>A, p.Phe1666Tyr (NM_001407627.1, NM_001407628.1, NM_001407629.1 and 14 more transcripts); c.4994T>A, p.Phe1665Tyr (NM_001407644.1, NM_001407645.1); c.4991T>A, p.Phe1664Tyr (NM_001407646.1); c.4988T>A, p.Phe1663Tyr (NM_001407647.1); c.4946T>A, p.Phe1649Tyr (NM_001407648.1); c.4943T>A, p.Phe1648Tyr (NM_001407649.1); c.5003T>A, p.Phe1668Tyr (NM_001407652.1, NM_001407684.1, NM_001407854.1 and 8 more transcripts); and 70 more; short protein forms F1621Y, F1668Y, F1689Y, F564Y, F1372Y, F1499Y, F1540Y, F1556Y.
Identifiers: ClinVar variation 868516 (VCV000868516.3), dbSNP rs1567772408, ClinGen allele CA10591514.